The following is an entry in ClinVar:

ClinVar aggregate classification (germline): Uncertain significance (1 of 4 stars; one submission).

gnomAD v4.1: 9 of 1,613,764 alleles (0.00056%); highest among the groups gnomAD compares: Non-Finnish European, 0.00068%; no homozygotes.

Submission:

Labcorp Genetics (formerly Invitae), Labcorp
Classification: Uncertain significance. Last evaluated: 2024-02-17. Review status: criteria provided, single submitter. Criteria: Invitae Variant Classification Sherloc (09022015). Collection method: clinical testing. Allele origin: germline.
Comment: This sequence change replaces isoleucine, which is neutral and non-polar, with methionine, which is neutral and non-polar, at codon 247 of the MYO6 protein (p.Ile247Met). This variant is present in population databases (rs755566058, gnomAD 0.003%). This variant has not been reported in the literature in individuals affected with MYO6-related conditions. Advanced modeling of protein sequence and biophysical properties (such as structural, functional, and spatial information, amino acid conservation, physicochemical variation, residue mobility, and thermodynamic stability) performed at Invitae indicates that this missense variant is not expected to disrupt MYO6 protein function with a negative predictive value of 80%. In summary, the available evidence is currently insufficient to determine the role of this variant in disease. Therefore, it has been classified as a Variant of Uncertain Significance.

NM_004999.4(MYO6):c.741C>G (p.Ile247Met)

Gene: MYO6 (myosin VI; plus strand). Cytogenetic location: 6q14.1.
Variant type: single nucleotide variant.
Coding change: c.741C>G on transcript NM_004999.4 (MANE Select); coding-DNA position 741, C replaced by G.
Protein change: p.Ile247Met; replaces isoleucine 247 with methionine.
Molecular consequence: missense variant. On other transcripts: non-coding transcript variant (2).
Genome position (GRCh38, 1-based): chr6:75,841,303, C>G. VCF-style: chr6-75841303-C-G. GRCh37 (hg19) VCF-style: chr6-76551020-C-G.
Other names: c.741C>G, p.Ile247Met (NM_001300899.2, NM_001368136.1, NM_001368137.1 and 4 more transcripts); c.726C>G, p.Ile242Met (NM_001368138.1); short protein forms I247M, I242M.
Identifiers: ClinVar variation 3632897 (VCV003632897.2).
Genomic context (GRCh38, chr6:75,841,303, plus strand): 5'-TTATCTCCTAGAGAAATCTAGGATCTGTGTTCAAGGCAAAGAGGAAAGAAATTATCATAT[C>G]TTTTATAGGTTGTGTGCTGGTGCTTCTGAAGATATTAGAGAAAAACTTCATTTGAGTTCA-3'
Protein context (NP_004990.3, residues 237-257): VQGKEERNYH[Ile247Met]FYRLCAGASE